The following is an entry in ClinVar:

ClinVar aggregate classification (germline): Uncertain significance (1 of 4 stars; one submission).

gnomAD v4.1: 2 of 1,612,638 alleles (0.00012%); highest among the groups gnomAD compares: Non-Finnish European, 0.000085%; no homozygotes.

Submission:

Labcorp Genetics (formerly Invitae), Labcorp
Classification: Uncertain significance. Last evaluated: 2022-06-26. Review status: criteria provided, single submitter. Criteria: Invitae Variant Classification Sherloc (09022015). Collection method: clinical testing. Allele origin: germline.
Comment: In summary, the available evidence is currently insufficient to determine the role of this variant in disease. Therefore, it has been classified as a Variant of Uncertain Significance. Algorithms developed to predict the effect of missense changes on protein structure and function are either unavailable or do not agree on the potential impact of this missense change (SIFT: "Deleterious"; PolyPhen-2: "Possibly Damaging"; Align-GVGD: "Class C0"). This variant has not been reported in the literature in individuals affected with HMCN1-related conditions. This variant is not present in population databases (gnomAD no frequency). This sequence change replaces leucine, which is neutral and non-polar, with phenylalanine, which is neutral and non-polar, at codon 2520 of the HMCN1 protein (p.Leu2520Phe).

NM_031935.3(HMCN1):c.7558C>T (p.Leu2520Phe)

Gene: HMCN1 (hemicentin 1; plus strand). Cytogenetic location: 1q31.1.
Variant type: single nucleotide variant.
Coding change: c.7558C>T on transcript NM_031935.3 (MANE Select); coding-DNA position 7558, C replaced by T.
Protein change: p.Leu2520Phe; replaces leucine 2520 with phenylalanine.
Molecular consequence: missense variant.
Genome position (GRCh38, 1-based): chr1:186,065,282, C>T. VCF-style: chr1-186065282-C-T. GRCh37 (hg19) VCF-style: chr1-186034414-C-T.
Other names: short protein forms L2520F.
Identifiers: ClinVar variation 1978074 (VCV001978074.5), dbSNP rs1018579456, ClinGen allele CA33459380.